The following is an entry in ClinVar:

ClinVar aggregate classification (germline): Uncertain significance (1 of 4 stars; one submission).

Submission:

GeneDx
Classification: Uncertain significance. Last evaluated: 2022-01-08. Review status: criteria provided, single submitter. Criteria: GeneDx Variant Classification Process June 2021. Collection method: clinical testing. Allele origin: germline. Affected: yes.
Comment: Not observed at significant frequency in large population cohorts (gnomAD); In silico analysis supports that this missense variant has a deleterious effect on protein structure/function; Has not been previously published as pathogenic or benign to our knowledge

NM_001379150.1(IRS4):c.3728T>G (p.Phe1243Cys)

Gene: IRS4 (insulin receptor substrate 4; minus strand). Cytogenetic location: Xq22.3.
Variant type: single nucleotide variant.
Coding change: c.3728T>G on transcript NM_001379150.1 (MANE Select); coding-DNA position 3728, T replaced by G.
Protein change: p.Phe1243Cys; replaces phenylalanine 1243 with cysteine.
Molecular consequence: missense variant.
Genome position (GRCh38, 1-based): chrX:108,732,617, A>C on the plus strand (T>G on the coding strand, the complement: IRS4 is on the minus strand). VCF-style: chrX-108732617-A-C. GRCh37 (hg19) VCF-style: chrX-107975847-A-C.
Other names: c.3728T>G, p.Phe1243Cys (NM_003604.2); short protein forms F1243C.
Identifiers: ClinVar variation 1695800 (VCV001695800.2), dbSNP rs2148016471, ClinGen allele CA414196032.
Genomic context (GRCh38, chrX:108,732,617, plus strand): 5'-AATTAATTCTAAAATTACCGACCTCTTTTGGGAGAGTCGAACTGATTATCACGTCTGGCA[A>C]AATCCATTCTCACGTGAGTGTCGTCGTCGTTGTCAGAATCTTCTCTCTCCGGGGGTCTTG-3'
Protein context (NP_001366079.1, residues 1233-1253): NDDDTHVRMD[Phe1243Cys]ARRDNQFDSP